The following is an entry in ClinVar:

NM_000273.3(GPR143):c.1004C>T (p.Ser335Leu)

Gene: GPR143 (G protein-coupled receptor 143; minus strand). Cytogenetic location: Xp22.2.
Variant type: single nucleotide variant.
Coding change: c.1004C>T on transcript NM_000273.3 (MANE Select); coding-DNA position 1004, C replaced by T.
Protein change: p.Ser335Leu; replaces serine 335 with leucine.
Molecular consequence: missense variant.
Genome position (GRCh38, 1-based): chrX:9,739,601, G>A on the plus strand (C>T on the coding strand, the complement: GPR143 is on the minus strand). VCF-style: chrX-9739601-G-A. GRCh37 (hg19) VCF-style: chrX-9707641-G-A.
Other names: short protein forms S335L.
Identifiers: ClinVar variation 3697146 (VCV003697146.2).

ClinVar aggregate classification (germline): Uncertain significance (1 of 4 stars; one submission).

gnomAD v4.1: 12 of 1,203,673 alleles (0.001%); highest among the groups gnomAD compares: African/African-American, 0.0035%; no homozygotes.

Submission:

Labcorp Genetics (formerly Invitae), Labcorp
Classification: Uncertain significance. Last evaluated: 2024-10-20. Review status: criteria provided, single submitter. Criteria: Invitae Variant Classification Sherloc (09022015). Collection method: clinical testing. Allele origin: germline.
Comment: This sequence change replaces serine, which is neutral and polar, with leucine, which is neutral and non-polar, at codon 335 of the GPR143 protein (p.Ser335Leu). The frequency data for this variant in the population databases is considered unreliable, as metrics indicate poor data quality at this position in the gnomAD database. This variant has not been reported in the literature in individuals affected with GPR143-related conditions. Invitae Evidence Modeling of protein sequence and biophysical properties (such as structural, functional, and spatial information, amino acid conservation, physicochemical variation, residue mobility, and thermodynamic stability) has been performed for this missense variant. However, the output from this modeling did not meet the statistical confidence thresholds required to predict the impact of this variant on GPR143 protein function. In summary, the available evidence is currently insufficient to determine the role of this variant in disease. Therefore, it has been classified as a Variant of Uncertain Significance.